The following is an entry in ClinVar:

ClinVar aggregate classification (germline): Uncertain significance (1 of 4 stars; one submission).

Conditions:
Cardiovascular phenotype. Identifiers: MedGen CN230736.

Submission:

Ambry Genetics
Classification: Uncertain significance for Cardiovascular phenotype. Last evaluated: 2026-09-11. Review status: criteria provided, single submitter. Criteria: Ambry Variant Classification Scheme 2023. Collection method: clinical testing. Allele origin: germline.
Comment: The p.K4274E variant (also known as c.12820A>G), located in coding exon 29 of the APOB gene, results from an A to G substitution at nucleotide position 12820. The lysine at codon 4274 is replaced by glutamic acid, an amino acid with similar properties. This amino acid position is conserved. In addition, this alteration is predicted to be tolerated by in silico analysis. Based on the available evidence, the clinical significance of this variant remains unclear.

NM_000384.3(APOB):c.12820A>G (p.Lys4274Glu)

Gene: APOB (apolipoprotein B; minus strand). Cytogenetic location: 2p24.1.
Variant type: single nucleotide variant.
Coding change: c.12820A>G on transcript NM_000384.3 (MANE Select); coding-DNA position 12820, A replaced by G.
Protein change: p.Lys4274Glu; replaces lysine 4274 with glutamic acid.
Molecular consequence: missense variant.
Genome position (GRCh38, 1-based): chr2:21,002,602, T>C on the plus strand (A>G on the coding strand, the complement: APOB is on the minus strand). VCF-style: chr2-21002602-T-C. GRCh37 (hg19) VCF-style: chr2-21225474-T-C.
Other names: short protein forms K4274E.
Identifiers: ClinVar variation 3885756 (VCV003885756.2).